The following is an entry in ClinVar:

NM_000404.4(GLB1):c.1468_1470del (p.Asn490del)

Gene: GLB1 (galactosidase beta 1; minus strand). Cytogenetic location: 3p22.3.
Variant type: Deletion.
Coding change: c.1468_1470del on transcript NM_000404.4 (MANE Select); coding-DNA positions 1468 to 1470, 3 bases deleted (AAC; older notation c.1468_1470delAAC).
Protein change: p.Asn490del; deletes asparagine 490.
Molecular consequence: inframe deletion.
Genome position (GRCh38, 1-based): chr3:33,016,718-33,016,720, GTT deleted on the plus strand (AAC on the coding strand, the reverse complement: GLB1 is on the minus strand); deleting any 3 consecutive bases within chr3:33,016,718-33,016,721 gives the same sequence; the c. name uses the placement nearest the transcript's 3' end. VCF-style (leftmost placement, unchanged base first): chr3-33016717-CGTT-C. GRCh37 (hg19) VCF-style: chr3-33058209-CGTT-C.
Other names: c.1378_1380del, p.Asn460del (NM_001079811.3); c.1075_1077del, p.Asn359del (NM_001135602.3); c.1612_1614del, p.Asn538del (NM_001317040.2); c.1468_1470del, p.Asn490del (NM_001393580.1); c.1468_1470del (NM_000404.3); short protein forms N460del, N538del, N359del, N490del.
Identifiers: ClinVar variation 835718 (VCV000835718.9), dbSNP rs1215113920, ClinGen allele CA432952884.

ClinVar aggregate classification (germline): Likely pathogenic. Review status: criteria provided, multiple submitters, no conflicts (2 of 4 stars). 3 submissions from 3 submitters: Likely pathogenic (3). Last evaluated 2025-03-24.

Conditions:
Mucopolysaccharidosis, MPS-IV-B (MPS4B). Also called: Mucopolysaccharidosis type IV B; Mucopolysaccharidosis type 4B; Mucopolysaccharidosis Type IVB; Mucopolysaccharidosis type IVB (Morquio); MPS IVB; MORQUIO SYNDROME B. Identifiers: Orphanet 309310, Orphanet 582, MedGen C0086652, MONDO:0009660, OMIM 253010.
GM1 gangliosidosis. Identifiers: Orphanet 354, MedGen C0085131, MONDO:0018149.

Submissions (3):

Natera, Inc.
Classification: Likely pathogenic for Mucopolysaccharidosis, MPS-IV-B. Last evaluated: 2025-03-24. Review status: criteria provided, single submitter. Criteria: Natera Variant Classification Schema (03/2026). Collection method: clinical testing. Allele origin: germline.
Comment: The c.1468_1470del variant in GLB1 is an in-frame deletion predicted to remove asparagine at amino acid 490 while preserving the reading frame. This variant is rare in the general population with a frequency below the threshold expected for the associated phenotype(s). This variant has been observed in one or more individuals affected with the associated recessive disease, as either homozygous or compound heterozygous with a second variant (PMID: 30187681, 26646981). This variant results in a change to the protein length while preserving reading frame, which may disrupt normal protein structure or function. Computational prediction algorithms indicate this variant is likely to affect gene or protein function. Given the available evidence, this variant is classified as Likely Pathogenic.

GeneDx
Classification: Likely pathogenic. Last evaluated: 2025-03-13. Review status: criteria provided, single submitter. Criteria: GeneDx Variant Classification Process June 2021. Collection method: clinical testing. Allele origin: germline.
Comment: In-frame deletion of 1 amino acid in a non-repeat region; In silico analysis supports a deleterious effect on protein structure/function; Not observed at significant frequency in large population cohorts (gnomAD); This variant is associated with the following publications: (PMID: 30187681, 26646981)

Labcorp Genetics (formerly Invitae), Labcorp
Classification: Likely pathogenic for Mucopolysaccharidosis, MPS-IV-B; GM1 gangliosidosis. Last evaluated: 2024-02-13. Review status: criteria provided, single submitter. Criteria: Invitae Variant Classification Sherloc (09022015). Collection method: clinical testing. Allele origin: germline.
Comment: This variant, c.1468_1470del, results in the deletion of 1 amino acid(s) of the GLB1 protein (p.Asn490del), but otherwise preserves the integrity of the reading frame. This variant is present in population databases (no rsID available, gnomAD 0.006%). This variant has been observed in individual(s) with clinical features of GLB1-related conditions (PMID: 26646981, 30187681; Invitae). ClinVar contains an entry for this variant (Variation ID: 835718). In summary, the currently available evidence indicates that the variant is pathogenic, but additional data are needed to prove that conclusively. Therefore, this variant has been classified as Likely Pathogenic.

Literature cited by the submitters: PubMed 30187681 (cited by Natera, Inc. and Labcorp Genetics (formerly Invitae), Labcorp); PubMed 26646981 (cited by Natera, Inc. and Labcorp Genetics (formerly Invitae), Labcorp).